The following is an entry in ClinVar:

ClinVar aggregate classification (germline): Uncertain significance. Review status: criteria provided, multiple submitters, no conflicts (2 of 4 stars). 2 submissions from 2 submitters: Uncertain significance (2). Last evaluated 2025-03-28.

Conditions:
DST-related disorder. Also called: DST-related condition; DST-related disorders.
Epidermolysis bullosa simplex 3, localized or generalized intermediate, with BP230 deficiency (EBS3). Also called: Epidermolysis bullosa simplex, autosomal recessive 2; Epidermolysis bullosa simplex due to BP230 deficiency. Identifiers: Orphanet 412181, MedGen C3809470, MONDO:0014180, OMIM 615425.
Hereditary sensory and autonomic neuropathy type 6. Also called: HSAN VI; Neuropathy, hereditary sensory and autonomic, type VI. Identifiers: Orphanet 314381, MedGen C3539003, MONDO:0013839, OMIM 614653.

Allele frequency attached by ClinVar (database versions not stated): gnomAD 0.00001; TOPMed 0.00001.
gnomAD v4.1: 2 of 1,613,464 alleles (0.00012%); highest among the groups gnomAD compares: African/African-American, 0.0027%; no homozygotes.

Submissions (2):

PreventionGenetics, part of Exact Sciences
Classification: Uncertain significance for DST-related condition. Last evaluated: 2025-03-28. Review status: criteria provided, single submitter. Criteria: ACMG Guidelines, 2015. Collection method: clinical testing. Allele origin: germline.
Comment: The DST c.1963T>A variant is predicted to result in the amino acid substitution p.Tyr655Asn. To our knowledge, this variant has not been reported in the literature or in a large population database (gnomAD), indicating this variant is rare. At this time, the clinical significance of this variant is uncertain due to the absence of conclusive functional and genetic evidence.

Labcorp Genetics (formerly Invitae), Labcorp
Classification: Uncertain significance for Epidermolysis bullosa simplex 3, localized or generalized intermediate, with BP230 deficiency; Hereditary sensory and autonomic neuropathy type 6. Last evaluated: 2019-08-19. Review status: criteria provided, single submitter. Criteria: Invitae Variant Classification Sherloc (09022015). Collection method: clinical testing. Allele origin: germline.
Comment: In summary, the available evidence is currently insufficient to determine the role of this variant in disease. Therefore, it has been classified as a Variant of Uncertain Significance. Algorithms developed to predict the effect of missense changes on protein structure and function are either unavailable or do not agree on the potential impact of this missense change (SIFT: "Deleterious"; PolyPhen-2: "Benign"; Align-GVGD: "Class C15"). This variant has not been reported in the literature in individuals with DST-related conditions. This variant is not present in population databases (ExAC no frequency). This sequence change replaces tyrosine with asparagine at codon 655 of the DST protein (p.Tyr655Asn). The tyrosine residue is highly conserved and there is a large physicochemical difference between tyrosine and asparagine.

NM_001374736.1(DST):c.3574T>A (p.Tyr1192Asn)

Gene: DST (dystonin; minus strand). Cytogenetic location: 6p12.1.
Variant type: single nucleotide variant.
Coding change: c.3574T>A on transcript NM_001374736.1 (MANE Select); coding-DNA position 3574, T replaced by A.
Protein change: p.Tyr1192Asn; replaces tyrosine 1192 with asparagine.
Molecular consequence: missense variant.
Genome position (GRCh38, 1-based): chr6:56,634,179, A>T on the plus strand (T>A on the coding strand, the complement: DST is on the minus strand). VCF-style: chr6-56634179-A-T. GRCh37 (hg19) VCF-style: chr6-56498977-A-T.
Other names: c.3475T>A, p.Tyr1159Asn (NM_001144769.5); c.3061T>A, p.Tyr1021Asn (NM_001144770.2); c.3574T>A, p.Tyr1192Asn (NM_001374722.1); c.2941T>A, p.Tyr981Asn (NM_001374729.1, NM_001374730.1, NM_001386100.1 and 1 more transcripts); c.3601T>A, p.Tyr1201Asn (NM_001374734.1); c.1963T>A, p.Tyr655Asn (NM_001723.7, NM_015548.5); short protein forms Y1192N, Y1201N, Y1159N, Y655N, Y981N, Y1021N.
Identifiers: ClinVar variation 961572 (VCV000961572.11), dbSNP rs1486142419, ClinGen allele CA364575625.